The following is an entry in ClinVar:

ClinVar aggregate classification (germline): Conflicting classifications of pathogenicity. Review status: criteria provided, conflicting classifications (1 of 4 stars). 3 submissions from 3 submitters: Uncertain significance (1); Likely benign (2). Last evaluated 2024-09-18.

Allele frequency attached by ClinVar (database versions not stated): gnomAD exomes 0.00001; gnomAD 0.00002; ExAC 0.00003; TOPMed 0.00003.
gnomAD v4.1: 15 of 1,198,096 alleles (0.0013%); highest among the groups gnomAD compares: Admixed American, 0.0022%; no homozygotes.

Submissions (3):

Blueprint Genetics
Classification: Likely benign. Last evaluated: 2024-09-18. Review status: criteria provided, single submitter. Criteria: ACMG Guidelines, 2015. Collection method: clinical testing. Allele origin: germline.

CeGaT Center for Human Genetics Tuebingen
Classification: Likely benign. Last evaluated: 2024-01-01. Review status: criteria provided, single submitter. Criteria: CeGaT Center For Human Genetics Tuebingen Variant Classification Criteria Version 2. Collection method: clinical testing. Allele origin: germline. Affected: yes. Observed: 1 variant allele.
Comment: CCDC22: BS2

Ambry Genetics
Classification: Uncertain significance. Last evaluated: 2023-10-05. Review status: criteria provided, single submitter. Criteria: Ambry Variant Classification Scheme 2023. Collection method: clinical testing. Allele origin: germline.

NM_014008.5(CCDC22):c.803A>G (p.Gln268Arg)

Gene: CCDC22 (CCC complex scaffolding subunit CCDC22; plus strand). Cytogenetic location: Xp11.23.
Variant type: single nucleotide variant.
Coding change: c.803A>G on transcript NM_014008.5 (MANE Select); coding-DNA position 803, A replaced by G.
Protein change: p.Gln268Arg; replaces glutamine 268 with arginine.
Molecular consequence: missense variant.
Genome position (GRCh38, 1-based): chrX:49,246,819, A>G. VCF-style: chrX-49246819-A-G. GRCh37 (hg19) VCF-style: chrX-49103280-A-G.
Other names: c.803A>G (NM_014008.3); short protein forms Q268R.
Identifiers: ClinVar variation 3025938 (VCV003025938.24), dbSNP rs781992822, ClinGen allele CA10411328.